The following is an entry in ClinVar:

ClinVar aggregate classification (germline): Benign (1 of 4 stars; one submission).

Conditions:
Glycogen storage disease, type II (IOPD). Also called: Pompe Disease; CARDIOMEGALIA GLYCOGENICA DIFFUSA; GLYCOGENOSIS, GENERALIZED, CARDIAC FORM; GSD II; POMPE DISEASE, INFANTILE-ONSET; GLYCOGEN STORAGE DISEASE II, INFANTILE-ONSET. Identifiers: Orphanet 365, MedGen C0017921, MONDO:0009290, OMIM 232300.

gnomAD v4.1: 113,400 of 152,160 alleles (75%); highest among the groups gnomAD compares: Middle Eastern, 86%; 42,586 homozygotes.

Submission:

Genomenon, Inc
Classification: Benign for Glycogen storage disease, type II. Last evaluated: 2026-07-01. Review status: criteria provided, single submitter. Criteria: Genomenon Sequence Variant Interpretation Standards - Updated. Collection method: curation. Allele origin: germline. Affected: no.
Comment: GAA c.-33+1104A>G is an intronic variant located in the 5′ untranslated region (5′ UTR). This variant is present at high allele frequency in population databases. We classify GAA c.-33+1104A>G as a benign variant.

NM_000152.5(GAA):c.-33+1104A>G

Gene: GAA (alpha glucosidase; plus strand). Cytogenetic location: 17q25.3.
Variant type: single nucleotide variant.
Coding change: c.-33+1104A>G on transcript NM_000152.5 (MANE Select); 1104 bases into the intron after 33 bases upstream of the start codon, A replaced by G.
Molecular consequence: intron variant.
Genome position (GRCh38, 1-based): chr17:80,102,994, A>G. VCF-style: chr17-80102994-A-G. GRCh37 (hg19) VCF-style: chr17-78076793-A-G.
Other names: c.-33+1104A>G (NM_001406741.1, NM_001079803.3); c.-33+1069A>G (NM_001406742.1); c.-33+1369A>G (NM_001079804.3).
Identifiers: ClinVar variation 4876427 (VCV004876427.1).
Genomic context (GRCh38, chr17:80,102,994, plus strand): 5'-CACCCAGCCGTGTCCAGAAAGTTGCAGAATTGATGGGTGTGAGAAAAACCCTACACATTT[A>G]ATGTCAGAAGTGTGGGTAAAATGTTTCACCCTCCAGCCCAGAGAGCCCTAATTTACCAGT-3'